The following is an entry in ClinVar:

NM_000891.3(KCNJ2):c.302G>T (p.Cys101Phe)

Gene: KCNJ2 (potassium inwardly rectifying channel subfamily J member 2; plus strand). Cytogenetic location: 17q24.3.
Variant type: single nucleotide variant.
Coding change: c.302G>T on transcript NM_000891.3 (MANE Select); coding-DNA position 302, G replaced by T.
Protein change: p.Cys101Phe; replaces cysteine 101 with phenylalanine.
Molecular consequence: missense variant.
Genome position (GRCh38, 1-based): chr17:70,175,341, G>T. VCF-style: chr17-70175341-G-T. GRCh37 (hg19) VCF-style: chr17-68171482-G-T.
Other names: short protein forms C101F.
Identifiers: ClinVar variation 449152 (VCV000449152.22), dbSNP rs750630010, ClinGen allele CA8738712.

ClinVar aggregate classification (germline): Conflicting classifications of pathogenicity. Review status: criteria provided, conflicting classifications (1 of 4 stars). 4 submissions from 4 submitters: Uncertain significance (3); Likely benign (1). Last evaluated 2026-03-23.

Conditions:
Andersen Tawil syndrome (LQT7). Also called: PERIODIC PARALYSIS, POTASSIUM-SENSITIVE CARDIODYSRHYTHMIC TYPE; LONG QT SYNDROME 7; ANDERSEN CARDIODYSRHYTHMIC PERIODIC PARALYSIS; Potassium-sensitive periodic paralysis, ventricular ectopy, and dysmorphic features; Andersen Syndrome. Identifiers: Orphanet 37553, MedGen C1563715, MONDO:0008222, OMIM 170390.
Short QT syndrome type 3. Identifiers: Orphanet 51083, MedGen C1865018, MONDO:0012314, OMIM 609622.
Atrial fibrillation, familial, 9 (ATFB9). Identifiers: MedGen C3151431, MONDO:0013513, OMIM 613980.
Cardiovascular phenotype. Identifiers: MedGen CN230736.

Allele frequency attached by ClinVar (database versions not stated): gnomAD exomes 0.00001; TOPMed 0.00001; ExAC 0.00001.

Submissions (4):

Ambry Genetics
Classification: Likely benign for Cardiovascular phenotype. Last evaluated: 2026-03-23. Review status: criteria provided, single submitter. Criteria: Ambry Variant Classification Scheme 2023. Collection method: clinical testing. Allele origin: germline.

GeneDx
Classification: Uncertain significance. Last evaluated: 2023-12-02. Review status: criteria provided, single submitter. Criteria: GeneDx Variant Classification Process June 2021. Collection method: clinical testing. Allele origin: germline. Affected: yes.
Comment: Not observed at significant frequency in large population cohorts (gnomAD); In silico analysis supports that this missense variant does not alter protein structure/function; Has not been previously published as pathogenic or benign to our knowledge

Labcorp Genetics (formerly Invitae), Labcorp
Classification: Uncertain significance for Short QT syndrome type 3; Andersen Tawil syndrome. Last evaluated: 2022-06-20. Review status: criteria provided, single submitter. Criteria: Invitae Variant Classification Sherloc (09022015). Collection method: clinical testing. Allele origin: germline.
Comment: This sequence change replaces cysteine, which is neutral and slightly polar, with phenylalanine, which is neutral and non-polar, at codon 101 of the KCNJ2 protein (p.Cys101Phe). This variant is present in population databases (rs750630010, gnomAD 0.002%). This variant has not been reported in the literature in individuals affected with KCNJ2-related conditions. ClinVar contains an entry for this variant (Variation ID: 449152). Algorithms developed to predict the effect of missense changes on protein structure and function are either unavailable or do not agree on the potential impact of this missense change (SIFT: "Deleterious"; PolyPhen-2: "Benign"; Align-GVGD: "Class C0"). In summary, the available evidence is currently insufficient to determine the role of this variant in disease. Therefore, it has been classified as a Variant of Uncertain Significance.

Fulgent Genetics
Classification: Uncertain significance for Andersen Tawil syndrome; Short QT syndrome type 3; Atrial fibrillation, familial, 9. Last evaluated: 2021-10-17. Review status: criteria provided, single submitter. Criteria: ACMG Guidelines, 2015. Collection method: clinical testing. Allele origin: unknown.